The following is an entry in ClinVar:

ClinVar aggregate classification (germline): Likely pathogenic (1 of 4 stars; one submission).

Conditions:
TECTA-related disorder. Also called: TECTA-related condition.

Submission:

PreventionGenetics, part of Exact Sciences
Classification: Likely pathogenic for TECTA-related condition. Last evaluated: 2023-07-19. Review status: criteria provided, single submitter. Criteria: ACMG Guidelines, 2015. Collection method: clinical testing. Allele origin: germline.
Comment: The TECTA c.25delA variant is predicted to result in a frameshift and premature protein termination (p.Ile9Phefs*33). To our knowledge, this variant has not been reported in the literature or in a large population database, indicating this variant is rare. Frameshift variants in TECTA are expected to be pathogenic. This variant is interpreted as likely pathogenic.

NM_005422.4(TECTA):c.25del (p.Ile9fs)

Genes: TBCEL-TECTA (TBCEL-TECTA readthrough; plus strand), TECTA (tectorin alpha; plus strand). Cytogenetic location: 11q23.3.
Variant type: Deletion.
Coding change: c.25del on transcript NM_005422.4 (MANE Select); coding-DNA position 25, one base deleted (A; older notation c.25delA).
Protein change: p.Ile9fs; shifts the reading frame from isoleucine 9.
Molecular consequence: frameshift variant.
Genome position (GRCh38, 1-based): chr11:121,102,690, A deleted; the last of 2 consecutive A bases (chr11:121,102,689-121,102,690); deleting either gives the same sequence. VCF-style (leftmost placement, unchanged base first): chr11-121102688-GA-G. GRCh37 (hg19) VCF-style: chr11-120973397-GA-G.
Other names: c.982del, p.Ile328fs (NM_001378761.1); short protein forms I328fs, I9fs.
Identifiers: ClinVar variation 2631677 (VCV002631677.1), dbSNP rs2496881880, ClinGen allele CA2695199041.